The following is an entry in ClinVar:

ClinVar aggregate classification (germline): Likely benign. Review status: criteria provided, multiple submitters, no conflicts (2 of 4 stars). 2 submissions from 2 submitters: Likely benign (2). Last evaluated 2024-11-01.

Submissions (2):

CeGaT Center for Human Genetics Tuebingen
Classification: Likely benign. Last evaluated: 2024-11-01. Review status: criteria provided, single submitter. Criteria: CeGaT Center For Human Genetics Tuebingen Variant Classification Criteria Version 2. Collection method: clinical testing. Allele origin: germline. Affected: yes. Observed: 1 variant allele.
Comment: IRF2BPL: BP4, BP7

Blueprint Genetics
Classification: Likely benign. Last evaluated: 2023-06-13. Review status: criteria provided, single submitter. Criteria: ACMG Guidelines, 2015. Collection method: clinical testing. Allele origin: germline.

NM_024496.4(IRF2BPL):c.1974C>T (p.Ser658=)

Gene: IRF2BPL (interferon regulatory factor 2 binding protein like; minus strand). Cytogenetic location: 14q24.3.
Variant type: single nucleotide variant.
Coding change: c.1974C>T on transcript NM_024496.4 (MANE Select); coding-DNA position 1974, C replaced by T.
Protein change: p.Ser658=; no amino-acid change (serine 658 retained).
Molecular consequence: synonymous variant.
Genome position (GRCh38, 1-based): chr14:77,025,819, G>A on the plus strand (C>T on the coding strand, the complement: IRF2BPL is on the minus strand). VCF-style: chr14-77025819-G-A. GRCh37 (hg19) VCF-style: chr14-77492162-G-A.
Identifiers: ClinVar variation 3389504 (VCV003389504.15).